The following is an entry in ClinVar:

ClinVar aggregate classification (germline): Uncertain significance (1 of 4 stars; one submission).

Submission:

Labcorp Genetics (formerly Invitae), Labcorp
Classification: Uncertain significance. Last evaluated: 2025-03-18. Review status: criteria provided, single submitter. Criteria: Invitae Variant Classification Sherloc (09022015). Collection method: clinical testing. Allele origin: germline.
Comment: This sequence change affects a donor splice site in intron 6 of the COMP gene. It is expected to disrupt RNA splicing. Variants that disrupt the donor or acceptor splice site typically lead to a loss of protein function (PMID: 16199547), however the current clinical and genetic evidence is not sufficient to establish whether loss-of-function variants in COMP cause disease. This variant is not present in population databases (gnomAD no frequency). This variant has not been reported in the literature in individuals affected with COMP-related conditions. Algorithms developed to predict the effect of sequence changes on RNA splicing suggest that this variant may disrupt the consensus splice site. In summary, the available evidence is currently insufficient to determine the role of this variant in disease. Therefore, it has been classified as a Variant of Uncertain Significance.

Literature cited by the submitters: PubMed 16199547.

NM_000095.3(COMP):c.603+1G>A

Gene: COMP (cartilage oligomeric matrix protein; minus strand). Cytogenetic location: 19p13.11.
Variant type: single nucleotide variant.
Coding change: c.603+1G>A on transcript NM_000095.3 (MANE Select); the canonical splice donor site of the intron after coding-DNA position 603, G replaced by A.
Molecular consequence: splice donor variant.
Genome position (GRCh38, 1-based): chr19:18,788,838, C>T on the plus strand (G>A on the coding strand, the complement: COMP is on the minus strand). VCF-style: chr19-18788838-C-T. GRCh37 (hg19) VCF-style: chr19-18899647-C-T.
Identifiers: ClinVar variation 4715405 (VCV004715405.1).